The following is an entry in ClinVar:

Single allele

Variant type: Deletion.
Identifiers: ClinVar variation 157275 (VCV000157275.2).

ClinVar aggregate classification (germline): not provided. Review status: no classification provided (0 of 4 stars). 2 submissions from 1 submitter: not provided (2).

Conditions:
Preeclampsia. Identifiers: Orphanet 275555, MedGen C0032914, MONDO:0005081, HP:0100602.
Small for gestational age. Also called: Low birth weight. Identifiers: MedGen C0235991, HP:0001518.

Submissions (2):

Institute of Molecular and Cell Biology, University of Tartu
No classification provided. Condition: Small for gestational age. Review status: no classification provided. Collection method: case-control. Allele origin: unknown. Affected: yes. Study: Kasak2014.
Comment: The study aimed to determine the contribution of copy number variants in the genetic etiology of normal and complicated pregnancies. The samples represented (i) maternal blood DNA drawn from healthy pregnant women during 1st or 2nd trimester and (ii) maternal and paternal blood DNA drawn at term pregnancy cases representing normal and complicated gestations (severe preeclampsia, PE; gestational diabetes, GD; small-for-gestational age newborn, SGA; large-for-gestational age newborn, LGA). We performed CNV calling based on genome-wide genotyping dataset (Illumina HumanOmniExpress-24-v1 BeadChip) by applying three algorithms, QuantiSNP, GADA (Genome Alteration Detection Algorithm) and CNstream in parallel. The acquired CNV calls were merged with HD-CNV (Hotspot Detector for Copy Number Variants) program and only the CNVs predicted by at least two programs, were considered in subsequent analysis.

Institute of Molecular and Cell Biology, University of Tartu
No classification provided. Condition: Preeclampsia. Review status: no classification provided. Collection method: case-control. Allele origin: unknown. Affected: yes. Study: Kasak2014.
Comment: the same text as in the submission from Institute of Molecular and Cell Biology, University of Tartu above.

Literature cited by the submitters: PubMed 25666259.